The following is an entry in ClinVar:

NM_002906.4(RDX):c.1384G>C (p.Glu462Gln)

Gene: RDX (radixin; minus strand). Cytogenetic location: 11q22.3.
Variant type: single nucleotide variant.
Coding change: c.1384G>C on transcript NM_002906.4 (MANE Select); coding-DNA position 1384, G replaced by C.
Protein change: p.Glu462Gln; replaces glutamic acid 462 with glutamine.
Molecular consequence: missense variant. On other transcripts: intron variant (1).
Genome position (GRCh38, 1-based): chr11:110,233,440, C>G on the plus strand (G>C on the coding strand, the complement: RDX is on the minus strand). VCF-style: chr11-110233440-C-G. GRCh37 (hg19) VCF-style: chr11-110104165-C-G.
Other names: c.1384G>C, p.Glu462Gln (NM_001260492.2, NM_001260493.2); c.976G>C, p.Glu326Gln (NM_001260494.2); c.343G>C, p.Glu115Gln (NM_001260495.2); c.405-1436G>C (NM_001260496.2); short protein forms E115Q, E326Q, E462Q.
Identifiers: ClinVar variation 2502096 (VCV002502096.1), dbSNP rs2539358955, ClinGen allele CA382572513.

ClinVar aggregate classification (germline): Uncertain significance (1 of 4 stars; one submission).

Submission:

GeneDx
Classification: Uncertain significance. Last evaluated: 2022-11-15. Review status: criteria provided, single submitter. Criteria: GeneDx Variant Classification Process June 2021. Collection method: clinical testing. Allele origin: germline. Affected: yes.
Comment: Not observed at significant frequency in large population cohorts (gnomAD); In silico analysis supports that this missense variant does not alter protein structure/function; Has not been previously published as pathogenic or benign to our knowledge